The following is an entry in ClinVar:

NM_022168.4(IFIH1):c.223T>A (p.Trp75Arg)

Gene: IFIH1 (interferon induced with helicase C domain 1; minus strand). Cytogenetic location: 2q24.2.
Variant type: single nucleotide variant.
Coding change: c.223T>A on transcript NM_022168.4 (MANE Select); coding-DNA position 223, T replaced by A.
Protein change: p.Trp75Arg; replaces tryptophan 75 with arginine.
Molecular consequence: missense variant.
Genome position (GRCh38, 1-based): chr2:162,318,085, A>T on the plus strand (T>A on the coding strand, the complement: IFIH1 is on the minus strand). VCF-style: chr2-162318085-A-T. GRCh37 (hg19) VCF-style: chr2-163174595-A-T.
Other names: short protein forms W75R.
Identifiers: ClinVar variation 1414274 (VCV001414274.6), dbSNP rs750844573, ClinGen allele CA349013818.

ClinVar aggregate classification (germline): Uncertain significance (1 of 4 stars; one submission).

Conditions:
Singleton-Merten syndrome 1 (SGMRT1). Also called: Widened medullary cavities of bone, aortic calcification, abnormal dentition, and muscular weakness; Syndrome of widened medullary cavities of the metacarpals and phalanges, aortic calcification and abnormal dentition. Identifiers: Orphanet 85191, MedGen C4225427, MONDO:0024535, OMIM 182250.
Aicardi-Goutieres syndrome 7 (AGS7). Identifiers: Orphanet 51, MedGen C3888244, MONDO:0014367, OMIM 615846.

gnomAD v4.1: 1 of 1,614,206 alleles (0.000062%); highest among the groups gnomAD compares: Non-Finnish European, 0.000085%; no homozygotes.

Submission:

Labcorp Genetics (formerly Invitae), Labcorp
Classification: Uncertain significance for Aicardi-Goutieres syndrome 7; Singleton-Merten syndrome 1. Last evaluated: 2022-04-06. Review status: criteria provided, single submitter. Criteria: Invitae Variant Classification Sherloc (09022015). Collection method: clinical testing. Allele origin: germline.
Comment: Algorithms developed to predict the effect of sequence changes on RNA splicing suggest that this variant may create or strengthen a splice site. Algorithms developed to predict the effect of missense changes on protein structure and function are either unavailable or do not agree on the potential impact of this missense change (SIFT: "Tolerated"; PolyPhen-2: "Probably Damaging"; Align-GVGD: "Class C0"). This variant has not been reported in the literature in individuals affected with IFIH1-related conditions. This variant is present in population databases (no rsID available, gnomAD 0.0009%). This sequence change replaces tryptophan, which is neutral and slightly polar, with arginine, which is basic and polar, at codon 75 of the IFIH1 protein (p.Trp75Arg). In summary, the available evidence is currently insufficient to determine the role of this variant in disease. Therefore, it has been classified as a Variant of Uncertain Significance.